The following is an entry in ClinVar:

NM_130837.3(OPA1):c.1035+2T>C

Gene: OPA1 (OPA1 mitochondrial dynamin like GTPase; plus strand). Cytogenetic location: 3q29.
Variant type: single nucleotide variant.
Coding change: c.1035+2T>C on transcript NM_130837.3 (MANE Select); the canonical splice donor site of the intron after coding-DNA position 1035, T replaced by C.
Molecular consequence: splice donor variant.
Genome position (GRCh38, 1-based): chr3:193,637,283, T>C. VCF-style: chr3-193637283-T-C. GRCh37 (hg19) VCF-style: chr3-193355072-T-C.
Other names: c.498+2T>C (NM_001354664.2); c.501+2T>C (NM_001354663.2); c.924+2T>C (NM_130834.3); c.981+2T>C (NM_130836.3); c.870+2T>C (NM_015560.3); c.927+2T>C (NM_130835.3); c.816+2T>C (NM_130832.3); c.873+2T>C (NM_130833.3); and 1 more.
Identifiers: ClinVar variation 3717498 (VCV003717498.2).

ClinVar aggregate classification (germline): Pathogenic (1 of 4 stars; one submission).

Submission:

Labcorp Genetics (formerly Invitae), Labcorp
Classification: Pathogenic. Last evaluated: 2025-01-18. Review status: criteria provided, single submitter. Criteria: Invitae Variant Classification Sherloc (09022015). Collection method: clinical testing. Allele origin: germline.
Comment: This sequence change affects a donor splice site in intron 8 of the OPA1 gene. It is expected to disrupt RNA splicing. Variants that disrupt the donor or acceptor splice site typically lead to a loss of protein function (PMID: 16199547), and loss-of-function variants in OPA1 are known to be pathogenic (PMID: 11440988, 20157015, 20952381, 25012220). This variant is not present in population databases (gnomAD no frequency). Disruption of this splice site has been observed in individuals with dominant optical atrophy (PMID: 33884488, 34242285). Algorithms developed to predict the effect of sequence changes on RNA splicing suggest that this variant may disrupt the consensus splice site. For these reasons, this variant has been classified as Pathogenic.

Literature cited by the submitters: PubMed 16199547; PubMed 11440988; PubMed 20157015; PubMed 20952381; PubMed 25012220; PubMed 33884488; PubMed 34242285.